The following is an entry in ClinVar:

NM_032043.3(BRIP1):c.180_190del (p.Leu61fs)

Gene: BRIP1 (BRCA1 interacting DNA helicase 1; minus strand). Cytogenetic location: 17q23.2.
Variant type: Deletion.
Coding change: c.180_190del on transcript NM_032043.3 (MANE Select); coding-DNA positions 180 to 190, 11 bases deleted (TTTAGCATGGC).
Protein change: p.Leu61fs; shifts the reading frame from leucine 61.
Molecular consequence: frameshift variant.
Genome position (GRCh38, 1-based): chr17:61,859,811-61,859,821, GCCATGCTAAA deleted on the plus strand (TTTAGCATGGC on the coding strand, the reverse complement: BRIP1 is on the minus strand); deleting any 11 consecutive bases within chr17:61,859,811-61,859,823 gives the same sequence; the c. name uses the placement nearest the transcript's 3' end. VCF-style (leftmost placement, unchanged base first): chr17-61859810-TGCCATGCTAAA-T. GRCh37 (hg19) VCF-style: chr17-59937171-TGCCATGCTAAA-T.
Other names: short protein forms L61fs.
Identifiers: ClinVar variation 2680335 (VCV002680335.2), dbSNP rs2545471484, ClinGen allele CA2695200317.

ClinVar aggregate classification (germline): Pathogenic/Likely pathogenic. Review status: criteria provided, multiple submitters, no conflicts (2 of 4 stars). 2 submissions from 2 submitters: Pathogenic (1); Likely pathogenic (1). Last evaluated 2024-07-15.

Conditions:
Familial cancer of breast. Also called: hereditary breast carcinoma; BREAST CANCER, FAMILIAL; Hereditary breast cancer. Identifiers: Orphanet 227535, MedGen C0346153, MONDO:0016419, OMIM 114480. Disease mechanism: loss of function.

Submissions (2):

Myriad Genetics, Inc.
Classification: Pathogenic for Familial cancer of breast. Last evaluated: 2024-07-15. Review status: criteria provided, single submitter. Criteria: Myriad Autosomal Dominant, Autosomal Recessive and X-Linked Classification Criteria (2023). Collection method: clinical testing. Allele origin: unknown.
Comment: This variant is considered pathogenic. This variant creates a frameshift predicted to result in premature protein truncation.

Baylor Genetics
Classification: Likely pathogenic for Familial cancer of breast. Last evaluated: 2022-11-03. Review status: criteria provided, single submitter. Criteria: ACMG Guidelines, 2015. Collection method: clinical testing. Allele origin: unknown.